The following is an entry in ClinVar:

ClinVar aggregate classification (germline): Conflicting classifications of pathogenicity. Review status: criteria provided, conflicting classifications (1 of 4 stars). 2 submissions from 2 submitters: Uncertain significance (1); Benign (1). Last evaluated 2026-02-01.

Conditions:
Congenital contractural arachnodactyly (CCA). Also called: BEALS SYNDROME; Beals-Hecht syndrome; Arthrogryposis, distal, type 9. Identifiers: Orphanet 115, MedGen C0220668, MONDO:0007363, OMIM 121050.
FBN2-related disorder. Also called: FBN2-related condition.

Allele frequency attached by ClinVar (database versions not stated): gnomAD 0.00001; ExAC 0.00002; gnomAD exomes 0.00002 and 0.00003; TOPMed 0.00002.
gnomAD v4.1: 26 of 1,614,056 alleles (0.0016%); highest among the groups gnomAD compares: Admixed American, 0.0067%; no homozygotes.

Submissions (2):

Labcorp Genetics (formerly Invitae), Labcorp
Classification: Benign for Congenital contractural arachnodactyly. Last evaluated: 2026-02-01. Review status: criteria provided, single submitter. Criteria: Invitae Variant Classification Sherloc (09022015). Collection method: clinical testing. Allele origin: germline.

PreventionGenetics, part of Exact Sciences
Classification: Uncertain significance for FBN2-related condition. Last evaluated: 2025-03-31. Review status: criteria provided, single submitter. Criteria: ACMG Guidelines, 2015. Collection method: clinical testing. Allele origin: germline.
Comment: The FBN2 c.3046G>A variant is predicted to result in the amino acid substitution p.Val1016Ile. To our knowledge, this variant has not been reported in the literature. This variant is reported in 0.0087% of alleles in individuals of Latino descent in gnomAD. At this time, the clinical significance of this variant is uncertain due to the absence of conclusive functional and genetic evidence.

NM_001999.4(FBN2):c.3046G>A (p.Val1016Ile)

Genes: FBN2 (fibrillin 2; minus strand), LOC126807501 (BRD4-independent group 4 enhancer GRCh37_chr5:127680731-127681930; plus strand). Cytogenetic location: 5q23.3.
Variant type: single nucleotide variant.
Coding change: c.3046G>A on transcript NM_001999.4 (MANE Select); coding-DNA position 3046, G replaced by A.
Protein change: p.Val1016Ile; replaces valine 1016 with isoleucine.
Molecular consequence: missense variant.
Genome position (GRCh38, 1-based): chr5:128,345,528, C>T on the plus strand (G>A on the coding strand, the complement: FBN2 is on the minus strand). VCF-style: chr5-128345528-C-T. GRCh37 (hg19) VCF-style: chr5-127681220-C-T.
Other names: c.3046G>A (NM_001999.3); short protein forms V1016I.
Identifiers: ClinVar variation 1431527 (VCV001431527.11), dbSNP rs773235785, ClinGen allele CA3395342.